The following is an entry in ClinVar:

NM_013296.5(GPSM2):c.1192+248C>G

Gene: GPSM2 (G protein signaling modulator 2; plus strand). Cytogenetic location: 1p13.3.
Variant type: single nucleotide variant.
Coding change: c.1192+248C>G on transcript NM_013296.5 (MANE Select); 248 bases into the intron after coding-DNA position 1192, C replaced by G.
Molecular consequence: intron variant.
Genome position (GRCh38, 1-based): chr1:108,904,502, C>G. VCF-style: chr1-108904502-C-G. GRCh37 (hg19) VCF-style: chr1-109447124-C-G.
Other names: c.1192+248C>G (NM_001321038.2, NM_001321039.3).
Identifiers: ClinVar variation 681858 (VCV000681858.1), dbSNP rs12123514, ClinGen allele CA28597610.

ClinVar aggregate classification (germline): Benign (1 of 4 stars; one submission).

Allele frequency attached by ClinVar (database versions not stated): 1000 Genomes Project 0.04872; 1000 Genomes Project 30x 0.04950; gnomAD 0.05283 and 0.05462; TOPMed 0.05365.
gnomAD v4.1: 7,905 of 149,714 alleles (5.3%); highest among the groups gnomAD compares: African/African-American, 8.7%; 243 homozygotes.

Submission:

GeneDx
Classification: Benign. Last evaluated: 2018-06-16. Review status: criteria provided, single submitter. Criteria: GeneDx Variant Classification (06012015). Collection method: clinical testing. Allele origin: germline. Affected: yes.
Comment: This variant is considered likely benign or benign based on one or more of the following criteria: it is a conservative change, it occurs at a poorly conserved position in the protein, it is predicted to be benign by multiple in silico algorithms, and/or has population frequency not consistent with disease.